The following is an entry in ClinVar:

NM_052947.4(ALPK2):c.3107C>T (p.Thr1036Ile)

Gene: ALPK2 (alpha kinase 2; minus strand). Cytogenetic location: 18q21.31.
Variant type: single nucleotide variant.
Coding change: c.3107C>T on transcript NM_052947.4 (MANE Select); coding-DNA position 3107, C replaced by T.
Protein change: p.Thr1036Ile; replaces threonine 1036 with isoleucine.
Molecular consequence: missense variant.
Genome position (GRCh38, 1-based): chr18:58,537,080, G>A on the plus strand (C>T on the coding strand, the complement: ALPK2 is on the minus strand). VCF-style: chr18-58537080-G-A. GRCh37 (hg19) VCF-style: chr18-56204312-G-A.
Other names: short protein forms T1036I.
Identifiers: ClinVar variation 3289842 (VCV003289842.1).

ClinVar aggregate classification (germline): Uncertain significance (1 of 4 stars; one submission).

gnomAD v4.1: 2 of 1,614,220 alleles (0.00012%); highest among the groups gnomAD compares: Non-Finnish European, 0.00017%; no homozygotes.

Submission:

Ambry Genetics
Classification: Uncertain significance. Last evaluated: 2024-03-22. Review status: criteria provided, single submitter. Criteria: Ambry Variant Classification Scheme 2023. Collection method: clinical testing. Allele origin: germline.
Comment: The p.T1036I variant (also known as c.3107C>T), located in coding exon 4 of the ALPK2 gene, results from a C to T substitution at nucleotide position 3107. The threonine at codon 1036 is replaced by isoleucine, an amino acid with similar properties. This amino acid position is conserved. In addition, this alteration is predicted to be tolerated by in silico analysis. Based on the available evidence, the clinical significance of this alteration remains unclear.